The following is an entry in ClinVar:

NM_001375567.1(FOCAD):c.1416C>T (p.Leu472=)

Gene: FOCAD (focadhesin; plus strand). Cytogenetic location: 9p21.3.
Variant type: single nucleotide variant.
Coding change: c.1416C>T on transcript NM_001375567.1 (MANE Select); coding-DNA position 1416, C replaced by T.
Protein change: p.Leu472=; no amino-acid change (leucine 472 retained).
Molecular consequence: synonymous variant.
Genome position (GRCh38, 1-based): chr9:20,789,569, C>T. VCF-style: chr9-20789569-C-T. GRCh37 (hg19) VCF-style: chr9-20789568-C-T.
Other names: c.1416C>T, p.Leu472= (NM_001375568.1, NM_017794.5); c.1311C>T, p.Leu437= (NM_001375570.1).
Identifiers: ClinVar variation 787069 (VCV000787069.10), dbSNP rs35908843, ClinGen allele CA5006701.

ClinVar aggregate classification (germline): Benign. Review status: criteria provided, multiple submitters, no conflicts (2 of 4 stars). 3 submissions from 3 submitters: Benign (2). 1 of the submissions does not count toward it. Last evaluated 2025-12-20.

Conditions:
FOCAD-related disorder. Also called: FOCAD-related condition.

Allele frequency attached by ClinVar (database versions not stated): gnomAD exomes 0.00217; ExAC 0.00289; gnomAD 0.00850 and 0.00921; 1000 Genomes Project 30x 0.00890; 1000 Genomes Project 0.00899; TOPMed 0.00987; ESP Exome Variant Server 0.01015.
gnomAD v4.1: 2,445 of 1,613,936 alleles (0.15%); highest among the groups gnomAD compares: African/African-American, 3%; 35 homozygotes.

Submissions (3):

Labcorp Genetics (formerly Invitae), Labcorp
Classification: Benign. Last evaluated: 2025-12-20. Review status: criteria provided, single submitter. Criteria: Invitae Variant Classification Sherloc (09022015). Collection method: clinical testing. Allele origin: germline.

Breakthrough Genomics
Classification: Benign. Review status: criteria provided, single submitter. Criteria: ACMG Guidelines, 2015. Collection method: not provided. Allele origin: germline. Inheritance: Autosomal recessive inheritance. Affected: yes.

PreventionGenetics, part of Exact Sciences
Classification: Benign for FOCAD-related condition. Last evaluated: 2019-02-21. Review status: no assertion criteria provided. Collection method: clinical testing. Allele origin: germline. Not counted in ClinVar's aggregate classification.
Comment: This variant is classified as benign based on ACMG/AMP sequence variant interpretation guidelines (Richards et al. 2015 PMID: 25741868, with internal and published modifications).